The following is an entry in ClinVar:

NM_004655.4(AXIN2):c.2477C>T (p.Thr826Met)

Gene: AXIN2 (axin 2; minus strand). Cytogenetic location: 17q24.1.
Variant type: single nucleotide variant.
Coding change: c.2477C>T on transcript NM_004655.4 (MANE Select); coding-DNA position 2477, C replaced by T.
Protein change: p.Thr826Met; replaces threonine 826 with methionine.
Molecular consequence: missense variant.
Genome position (GRCh38, 1-based): chr17:65,530,031, G>A on the plus strand (C>T on the coding strand, the complement: AXIN2 is on the minus strand). VCF-style: chr17-65530031-G-A. GRCh37 (hg19) VCF-style: chr17-63526149-G-A.
Other names: c.2477C>T (LRG_296t1); c.2282C>T, p.Thr761Met (NM_001363813.1); short protein forms T826M, T761M.
Identifiers: ClinVar variation 408825 (VCV000408825.25), dbSNP rs759355821, ClinGen allele CA8718283.

ClinVar aggregate classification (germline): Conflicting classifications of pathogenicity. Review status: criteria provided, conflicting classifications (1 of 4 stars). 8 submissions from 8 submitters: Uncertain significance (7); Likely benign (1). Last evaluated 2026-08-21.

Conditions:
AXIN2-related disorder.
Colorectal cancer. Also called: Colorectal cancer, somatic; Malignant Colorectal Neoplasm. Identifiers: MedGen C0346629, MONDO:0005575, OMIM 114500.
Hereditary cancer-predisposing syndrome. Also called: Neoplastic Syndromes, Hereditary; Tumor predisposition; Hereditary Cancer Syndrome; Hereditary neoplastic syndrome. Identifiers: Orphanet 140162, MedGen C0027672, MeSH D009386, MONDO:0015356.
Oligodontia-cancer predisposition syndrome. Also called: TOOTH AGENESIS-COLORECTAL CANCER SYNDROME. Identifiers: Orphanet 300576, MedGen C1837750, MONDO:0012075, OMIM 608615. Disease mechanism: loss of function.

Allele frequency attached by ClinVar (database versions not stated): ExAC 0.00001; gnomAD exomes 0.00001 and 0.00003; gnomAD 0.00002 and 0.00003; TOPMed 0.00003.
gnomAD v4.1: 51 of 1,614,014 alleles (0.0032%); highest among the groups gnomAD compares: Non-Finnish European, 0.0037%; no homozygotes.

Submissions (8):

PreventionGenetics, part of Exact Sciences
Classification: Uncertain significance for AXIN2-related condition. Last evaluated: 2026-08-21. Review status: criteria provided, single submitter. Criteria: ACMG Guidelines, 2015. Collection method: clinical testing. Allele origin: germline.
Comment: The AXIN2 c.2477C>T variant is predicted to result in the amino acid substitution p.Thr826Met. To our knowledge, this variant has not been reported in the literature. This variant is reported in 0.0050% of alleles in individuals of East Asian descent in gnomAD and has conflicting interpretations in ClinVar ranging from likely benign to uncertain (Variation ID: 408825). At this time, the clinical significance of this variant is uncertain due to the absence of conclusive functional and genetic evidence.

Ambry Genetics
Classification: Likely benign for Hereditary cancer-predisposing syndrome. Last evaluated: 2026-03-20. Review status: criteria provided, single submitter. Criteria: Ambry Variant Classification Scheme 2023. Collection method: clinical testing. Allele origin: germline.

Center for Genomic Medicine, Rigshospitalet, Copenhagen University Hospital
Classification: Uncertain significance. Last evaluated: 2025-12-29. Review status: criteria provided, single submitter. Criteria: ACMG Guidelines, 2015. Collection method: clinical testing. Allele origin: germline.

Labcorp Genetics (formerly Invitae), Labcorp
Classification: Uncertain significance for Oligodontia-cancer predisposition syndrome. Last evaluated: 2025-12-20. Review status: criteria provided, single submitter. Criteria: Invitae Variant Classification Sherloc (09022015). Collection method: clinical testing. Allele origin: germline.
Comment: This sequence change replaces threonine, which is neutral and polar, with methionine, which is neutral and non-polar, at codon 826 of the AXIN2 protein (p.Thr826Met). The frequency data for this variant in the population databases is considered unreliable, as metrics indicate poor data quality at this position in the gnomAD database. This variant has not been reported in the literature in individuals affected with AXIN2-related conditions. ClinVar contains an entry for this variant (Variation ID: 408825). Invitae Evidence Modeling of protein sequence and biophysical properties (such as structural, functional, and spatial information, amino acid conservation, physicochemical variation, residue mobility, and thermodynamic stability) indicates that this missense variant is not expected to disrupt AXIN2 protein function with a negative predictive value of 80%. In summary, the available evidence is currently insufficient to determine the role of this variant in disease. Therefore, it has been classified as a Variant of Uncertain Significance.

Baylor Genetics
Classification: Uncertain significance for Colorectal cancer. Last evaluated: 2023-11-26. Review status: criteria provided, single submitter. Criteria: ACMG Guidelines, 2015. Collection method: clinical testing. Allele origin: unknown.

Quest Diagnostics Nichols Institute San Juan Capistrano
Classification: Uncertain significance. Last evaluated: 2023-08-28. Review status: criteria provided, single submitter. Criteria: Quest Diagnostics criteria. Collection method: clinical testing. Allele origin: unknown.
Comment: The variant has not been reported in individuals with AXIN2-related conditions in the published literature. The frequency of this variant in the general population, 0.000014 (4/282874 chromosomes (Genome Aggregation Database)), is uninformative in the assessment of its pathogenicity. Analysis of this variant using bioinformatics tools for the prediction of the effect of amino acid changes on protein structure and function yielded conflicting predictions that this variant is benign or damaging. Based on the available information, we are unable to determine the clinical significance of this variant.

Sema4
Classification: Uncertain significance for Hereditary cancer-predisposing syndrome. Last evaluated: 2021-06-28. Review status: criteria provided, single submitter. Criteria: Sema4 Curation Guidelines. Collection method: curation. Allele origin: germline.
Comment: The AXIN2 c.2477C>T (p.T826M) variant has not been reported in the literature to our knowledge. This variant was observed in 1/19952 chromosomes in the East Asian population, according to the Genome Aggregation Database (PMID: 32461654). This variant has been reported in ClinVar (Variation ID 408825). In silico tools suggest the impact of the variant on protein function is inconclusive, though these predictions have not been confirmed by functional studies. The overall evidence is insufficient to meet ACMG/AMP criteria for classifying it as benign or pathogenic. In summary, the clinical significance of this variant is currently uncertain.

GeneDx
Classification: Uncertain significance. Last evaluated: 2019-07-24. Review status: criteria provided, single submitter. Criteria: GeneDx Variant Classification Process June 2021. Collection method: clinical testing. Allele origin: germline. Affected: yes.
Comment: Not observed at a significant frequency in large population cohorts (Lek 2016); In silico analysis, which includes protein predictors and evolutionary conservation, supports that this variant does not alter protein structure/function; Has not been previously published as pathogenic or benign to our knowledge